The following is an entry in ClinVar:

ClinVar aggregate classification (germline): Uncertain significance. Review status: criteria provided, multiple submitters, no conflicts (2 of 4 stars). 2 submissions from 2 submitters: Uncertain significance (2). Last evaluated 2025-07-24.

Conditions:
Hereditary nonpolyposis colorectal neoplasms. Identifiers: MedGen C0009405, MeSH D003123.
Hereditary cancer-predisposing syndrome. Also called: Neoplastic Syndromes, Hereditary; Tumor predisposition; Hereditary Cancer Syndrome; Hereditary neoplastic syndrome. Identifiers: Orphanet 140162, MedGen C0027672, MeSH D009386, MONDO:0015356.

Submissions (2):

Labcorp Genetics (formerly Invitae), Labcorp
Classification: Uncertain significance for Hereditary nonpolyposis colorectal neoplasms. Last evaluated: 2025-07-24. Review status: criteria provided, single submitter. Criteria: Invitae Variant Classification Sherloc (09022015). Collection method: clinical testing. Allele origin: germline.
Comment: This sequence change replaces serine, which is neutral and polar, with isoleucine, which is neutral and non-polar, at codon 222 of the PMS2 protein (p.Ser222Ile). This variant is not present in population databases (gnomAD no frequency). This variant has not been reported in the literature in individuals affected with PMS2-related conditions. ClinVar contains an entry for this variant (Variation ID: 525757). Invitae Evidence Modeling incorporating data from in vitro experimental studies (internal data) indicates that this missense variant is not expected to disrupt PMS2 function with a negative predictive value of 95%. In summary, the available evidence is currently insufficient to determine the role of this variant in disease. Therefore, it has been classified as a Variant of Uncertain Significance.

Ambry Genetics
Classification: Uncertain significance for Hereditary cancer-predisposing syndrome. Last evaluated: 2018-05-07. Review status: criteria provided, single submitter. Criteria: Ambry Variant Classification Scheme 2023. Collection method: clinical testing. Allele origin: germline.
Comment: The p.S222I variant (also known as c.665G>T), located in coding exon 6 of the PMS2 gene, results from a G to T substitution at nucleotide position 665. The serine at codon 222 is replaced by isoleucine, an amino acid with dissimilar properties. This amino acid position is not well conserved in available vertebrate species. In addition, the in silico prediction for this alteration is inconclusive. Since supporting evidence is limited at this time, the clinical significance of this alteration remains unclear.

NM_000535.7(PMS2):c.665G>T (p.Ser222Ile)

Gene: PMS2 (PMS1 homolog 2, mismatch repair system component; minus strand). Cytogenetic location: 7p22.1.
Variant type: single nucleotide variant.
Coding change: c.665G>T on transcript NM_000535.7 (MANE Select); coding-DNA position 665, G replaced by T.
Protein change: p.Ser222Ile; replaces serine 222 with isoleucine.
Molecular consequence: missense variant. On other transcripts: 5 prime UTR variant (2), non-coding transcript variant (1), intron variant (1).
Genome position (GRCh38, 1-based): chr7:5,999,148, C>A on the plus strand (G>T on the coding strand, the complement: PMS2 is on the minus strand). VCF-style: chr7-5999148-C-A. GRCh37 (hg19) VCF-style: chr7-6038779-C-A.
Other names: c.260G>T, p.Ser87Ile (NM_001322003.2, NM_001322004.2, NM_001322005.2 and 2 more transcripts); c.665G>T, p.Ser222Ile (NM_001322006.2, NM_001322014.2); c.347G>T, p.Ser116Ile (NM_001322007.2, NM_001322008.2); c.-269G>T (NM_001322011.2, NM_001322012.2); c.356G>T, p.Ser119Ile (NM_001322015.2); c.133-1725G>T (NM_001322013.2); short protein forms S222I, S87I, S116I, S119I.
Identifiers: ClinVar variation 525757 (VCV000525757.11), dbSNP rs560462942, ClinGen allele CA366743890.